The following is an entry in ClinVar:

NM_005097.4(LGI1):c.898G>A (p.Ala300Thr)

Gene: LGI1 (leucine rich glioma inactivated 1; plus strand). Cytogenetic location: 10q23.33.
Variant type: single nucleotide variant.
Coding change: c.898G>A on transcript NM_005097.4 (MANE Select); coding-DNA position 898, G replaced by A.
Protein change: p.Ala300Thr; replaces alanine 300 with threonine.
Molecular consequence: missense variant. On other transcripts: non-coding transcript variant (1), intron variant (1).
Genome position (GRCh38, 1-based): chr10:93,797,027, G>A. VCF-style: chr10-93797027-G-A. GRCh37 (hg19) VCF-style: chr10-95556784-G-A.
Other names: c.754G>A, p.Ala252Thr (NM_001308276.2); c.839-722G>A (NM_001308275.2); short protein forms A252T, A300T.
Identifiers: ClinVar variation 3343422 (VCV003343422.1).

ClinVar aggregate classification (germline): Uncertain significance (1 of 4 stars; one submission).

Submission:

GeneDx
Classification: Uncertain significance. Last evaluated: 2023-05-14. Review status: criteria provided, single submitter. Criteria: GeneDx Variant Classification Process June 2021. Collection method: clinical testing. Allele origin: germline. Affected: yes.
Comment: Not observed at significant frequency in large population cohorts (gnomAD); In silico analysis supports that this missense variant has a deleterious effect on protein structure/function; Has not been previously published as pathogenic or benign to our knowledge